The following is an entry in ClinVar:

NM_001987.5(ETV6):c.1297C>T (p.Arg433Cys)

Gene: ETV6 (ETS variant transcription factor 6; plus strand). Cytogenetic location: 12p13.2.
Variant type: single nucleotide variant.
Coding change: c.1297C>T on transcript NM_001987.5 (MANE Select); coding-DNA position 1297, C replaced by T.
Protein change: p.Arg433Cys; replaces arginine 433 with cysteine.
Molecular consequence: missense variant. On other transcripts: 3 prime UTR variant (1).
Genome position (GRCh38, 1-based): chr12:11,890,984, C>T. VCF-style: chr12-11890984-C-T. GRCh37 (hg19) VCF-style: chr12-12043918-C-T.
Other names: c.1294C>T, p.Arg432Cys (NM_001413913.1); c.1270C>T, p.Arg424Cys (NM_001413914.1); c.1033C>T, p.Arg345Cys (NM_001413915.1); c.*36C>T (NM_001413917.1); short protein forms R345C, R424C, R432C, R433C.
Identifiers: ClinVar variation 4870656 (VCV004870656.1).
Genomic context (GRCh38, chr12:11,890,984, plus strand): 5'-CACTTCTTCTTCCAAAGGTTTATGAAAACCCCAGATGAAATCATGAGTGGCCGAACAGAC[C>T]GTCTGGAGCACCTAGAGTCCCAGGAGCTGGATGAACAAATATACCAAGAAGATGAATGCT-3'
Protein context (NP_001978.1, residues 423-443): PDEIMSGRTD[Arg433Cys]LEHLESQELD

ClinVar aggregate classification (germline): Uncertain significance (1 of 4 stars; one submission).

Conditions:
Inborn genetic diseases. Identifiers: MedGen C0950123, MeSH D030342.

Submission:

Ambry Genetics
Classification: Uncertain significance for Inborn genetic diseases. Last evaluated: 2026-04-22. Review status: criteria provided, single submitter. Criteria: Ambry Variant Classification Scheme 2023. Collection method: clinical testing. Allele origin: germline.
Comment: The p.R433C variant (also known as c.1297C>T), located in coding exon 8 of the ETV6 gene, results from a C to T substitution at nucleotide position 1297. The arginine at codon 433 is replaced by cysteine, an amino acid with highly dissimilar properties. This amino acid position is highly conserved in available vertebrate species. In addition, the in silico prediction for this alteration is inconclusive. Based on the available evidence, the clinical significance of this variant remains unclear.